The following is an entry in ClinVar:

ClinVar aggregate classification (germline): Uncertain significance (1 of 4 stars; one submission).

Conditions:
Inborn genetic diseases. Identifiers: MedGen C0950123, MeSH D030342.

Submission:

Ambry Genetics
Classification: Uncertain significance for Inborn genetic diseases. Last evaluated: 2024-06-07. Review status: criteria provided, single submitter. Criteria: Ambry Variant Classification Scheme 2023. Collection method: clinical testing. Allele origin: germline.
Comment: The c.2692G>A (p.V898I) alteration is located in exon 16 (coding exon 15) of the SCN2A gene. This alteration results from a G to A substitution at nucleotide position 2692, causing the valine (V) at amino acid position 898 to be replaced by an isoleucine (I). This variant was not reported in population-based cohorts in the Genome Aggregation Database (gnomAD). This amino acid position is highly conserved in available vertebrate species. This missense alteration is located in a region that has a low rate of benign missense variation (Lek, 2016; Firth, 2009). This alteration is predicted to be deleterious by in silico analysis. Based on insufficient or conflicting evidence, the clinical significance of this alteration remains unclear.

NM_001040142.2(SCN2A):c.2692G>A (p.Val898Ile)

Gene: SCN2A (sodium voltage-gated channel alpha subunit 2; plus strand). Cytogenetic location: 2q24.3.
Variant type: single nucleotide variant.
Coding change: c.2692G>A on transcript NM_001040142.2 (MANE Select); coding-DNA position 2692, G replaced by A.
Protein change: p.Val898Ile; replaces valine 898 with isoleucine.
Molecular consequence: missense variant.
Genome position (GRCh38, 1-based): chr2:165,344,684, G>A. VCF-style: chr2-165344684-G-A. GRCh37 (hg19) VCF-style: chr2-166201194-G-A.
Other names: c.2692G>A, p.Val898Ile (NM_001040143.2, NM_001371246.1, NM_001371247.1 and 1 more transcripts); short protein forms V898I.
Identifiers: ClinVar variation 3316553 (VCV003316553.1).